The following is an entry in ClinVar:

NM_004369.4(COL6A3):c.3479C>T (p.Ala1160Val)

Gene: COL6A3 (collagen type VI alpha 3 chain; minus strand). Cytogenetic location: 2q37.3.
Variant type: single nucleotide variant.
Coding change: c.3479C>T on transcript NM_004369.4 (MANE Select); coding-DNA position 3479, C replaced by T.
Protein change: p.Ala1160Val; replaces alanine 1160 with valine.
Molecular consequence: missense variant.
Genome position (GRCh38, 1-based): chr2:237,374,612, G>A on the plus strand (C>T on the coding strand, the complement: COL6A3 is on the minus strand). VCF-style: chr2-237374612-G-A. GRCh37 (hg19) VCF-style: chr2-238283255-G-A.
Other names: c.2258C>T, p.Ala753Val (NM_057164.5); c.2861C>T, p.Ala954Val (NM_057165.5, NM_057167.4); c.1658C>T, p.Ala553Val (NM_057166.5); short protein forms A1160V, A553V, A753V, A954V.
Identifiers: ClinVar variation 2908585 (VCV002908585.3), dbSNP rs1289164879, ClinGen allele CA351202596.
Genomic context (GRCh38, chr2:237,374,612, plus strand): 5'-AAGGAGATGGTCTGCATCTCTGTGATGTCAGCGTTCCCGATGCCAATGCCAATGGGCACA[G>A]CCCCACCCCTCTTCACGACCACGGAGGGGTTCCGCACATCATCCCCAGACCTGTCGGCCG-3'
Protein context (NP_004360.2, residues 1150-1170): NPSVVVKRGG[Ala1160Val]VPIGIGIGNA

ClinVar aggregate classification (germline): Uncertain significance (1 of 4 stars; one submission).

Conditions:
Bethlem myopathy 1A. Also called: MYOPATHY, BENIGN CONGENITAL, WITH CONTRACTURES; Bethlem myopathy 1; Bethlem Muscular Dystrophy. Identifiers: Orphanet 610, MedGen CN029274, MONDO:0024530, OMIM 158810.

Allele frequency attached by ClinVar (database versions not stated): gnomAD exomes 0.00001.
gnomAD v4.1: 10 of 1,614,184 alleles (0.00062%); highest among the groups gnomAD compares: South Asian, 0.0099%; no homozygotes.

Submission:

Labcorp Genetics (formerly Invitae), Labcorp
Classification: Uncertain significance for Bethlem myopathy 1A. Last evaluated: 2023-07-24. Review status: criteria provided, single submitter. Criteria: Invitae Variant Classification Sherloc (09022015). Collection method: clinical testing. Allele origin: germline.
Comment: In summary, the available evidence is currently insufficient to determine the role of this variant in disease. Therefore, it has been classified as a Variant of Uncertain Significance. Advanced modeling of protein sequence and biophysical properties (such as structural, functional, and spatial information, amino acid conservation, physicochemical variation, residue mobility, and thermodynamic stability) performed at Invitae indicates that this missense variant is not expected to disrupt COL6A3 protein function. This variant has not been reported in the literature in individuals affected with COL6A3-related conditions. This variant is present in population databases (no rsID available, gnomAD 0.003%). This sequence change replaces alanine, which is neutral and non-polar, with valine, which is neutral and non-polar, at codon 1160 of the COL6A3 protein (p.Ala1160Val).